The following is an entry in ClinVar:

NC_000022.11:g.40346117C>T

Gene: ADSL (adenylosuccinate lyase; plus strand). Cytogenetic location: 22q13.1.
Variant type: single nucleotide variant.
Genome position: GRCh38 VCF-style: chr22-40346117-C-T. GRCh37 (hg19) VCF-style: chr22-40742121-C-T.
Identifiers: ClinVar variation 2108716 (VCV002108716.3), dbSNP rs973987073, ClinGen allele CA324446584.

ClinVar aggregate classification (germline): Uncertain significance (1 of 4 stars; one submission).

Conditions:
Adenylosuccinate lyase deficiency (ADSLD). Also called: ADSL DEFICIENCY. Identifiers: Orphanet 46, MedGen C0268126, MONDO:0007068, OMIM 103050.

Submission:

Labcorp Genetics (formerly Invitae), Labcorp
Classification: Uncertain significance for Adenylosuccinate lyase deficiency. Last evaluated: 2022-08-13. Review status: criteria provided, single submitter. Criteria: Invitae Variant Classification Sherloc (09022015). Collection method: clinical testing. Allele origin: germline.
Comment: The frequency data for this variant in the population databases is considered unreliable, as metrics indicate insufficient coverage at this position in the gnomAD database. This variant occurs in a non-coding region of the ADSL gene. It does not change the encoded amino acid sequence of the ADSL protein. In summary, the available evidence is currently insufficient to determine the role of this variant in disease. Therefore, it has been classified as a Variant of Uncertain Significance. Experimental studies and prediction algorithms are not available or were not evaluated, and the functional significance of this variant is currently unknown. This variant has not been reported in the literature in individuals affected with ADSL-related conditions.